The following is an entry in ClinVar:

NM_001005373.4(LRSAM1):c.1987G>A (p.Ala663Thr)

Gene: LRSAM1 (leucine rich repeat and sterile alpha motif containing 1; plus strand). Cytogenetic location: 9q34.11.
Variant type: single nucleotide variant.
Coding change: c.1987G>A on transcript NM_001005373.4 (MANE Select); coding-DNA position 1987, G replaced by A.
Protein change: p.Ala663Thr; replaces alanine 663 with threonine.
Molecular consequence: missense variant. On other transcripts: non-coding transcript variant (2).
Genome position (GRCh38, 1-based): chr9:127,501,084, G>A. VCF-style: chr9-127501084-G-A. GRCh37 (hg19) VCF-style: chr9-130263363-G-A.
Other names: c.1987G>A, p.Ala663Thr (NM_001005374.4, NM_001384142.1, NM_138361.5); c.1906G>A, p.Ala636Thr (NM_001190723.3); c.1888G>A, p.Ala630Thr (NM_001384143.1); c.1198G>A, p.Ala400Thr (NM_001384144.1); short protein forms A630T, A663T, A636T, A400T.
Identifiers: ClinVar variation 1783889 (VCV001783889.8), dbSNP rs546755217, ClinGen allele CA5247219.

ClinVar aggregate classification (germline): Uncertain significance. Review status: criteria provided, multiple submitters, no conflicts (2 of 4 stars). 3 submissions from 3 submitters: Uncertain significance (3). Last evaluated 2026-01-30.

Conditions:
LRSAM1-related disorder. Also called: LRSAM1-related condition.
Charcot-Marie-Tooth disease axonal type 2P. Also called: Charcot-Marie-Tooth Neuropathy Type 2G; CHARCOT-MARIE-TOOTH DISEASE, AXONAL, TYPE 2G; CMT 2G; CHARCOT-MARIE-TOOTH NEUROPATHY, TYPE 2P. Identifiers: Orphanet 300319, Orphanet 99941, MedGen C3280797, MONDO:0013753, OMIM 614436.
Inborn genetic diseases. Identifiers: MedGen C0950123, MeSH D030342.

Allele frequency attached by ClinVar (database versions not stated): ExAC 0.00002; gnomAD exomes 0.00002; gnomAD 0.00004; 1000 Genomes Project 0.00020; 1000 Genomes Project 30x 0.00047.
gnomAD v4.1: 38 of 1,613,870 alleles (0.0024%); highest among the groups gnomAD compares: African/African-American, 0.013%; no homozygotes.

Submissions (3):

PreventionGenetics, part of Exact Sciences
Classification: Uncertain significance for LRSAM1-related condition. Last evaluated: 2026-01-30. Review status: criteria provided, single submitter. Criteria: ACMG Guidelines, 2015. Collection method: clinical testing. Allele origin: germline.
Comment: The LRSAM1 c.1987G>A variant is predicted to result in the amino acid substitution p.Ala663Thr. To our knowledge, this variant has not been reported in the literature. This variant is reported in 0.012% of alleles in individuals of African descent in gnomAD. At this time, the clinical significance of this variant is uncertain due to the absence of conclusive functional and genetic evidence.

Labcorp Genetics (formerly Invitae), Labcorp
Classification: Uncertain significance for Charcot-Marie-Tooth disease axonal type 2P. Last evaluated: 2024-04-07. Review status: criteria provided, single submitter. Criteria: Invitae Variant Classification Sherloc (09022015). Collection method: clinical testing. Allele origin: germline.
Comment: This sequence change replaces alanine, which is neutral and non-polar, with threonine, which is neutral and polar, at codon 663 of the LRSAM1 protein (p.Ala663Thr). This variant is present in population databases (rs546755217, gnomAD 0.01%). This variant has not been reported in the literature in individuals affected with LRSAM1-related conditions. ClinVar contains an entry for this variant (Variation ID: 1783889). Advanced modeling of protein sequence and biophysical properties (such as structural, functional, and spatial information, amino acid conservation, physicochemical variation, residue mobility, and thermodynamic stability) performed at Invitae indicates that this missense variant is not expected to disrupt LRSAM1 protein function with a negative predictive value of 80%. In summary, the available evidence is currently insufficient to determine the role of this variant in disease. Therefore, it has been classified as a Variant of Uncertain Significance.

Ambry Genetics
Classification: Uncertain significance for Inborn genetic diseases. Last evaluated: 2023-04-27. Review status: criteria provided, single submitter. Criteria: Ambry Variant Classification Scheme 2023. Collection method: clinical testing. Allele origin: germline.